The following is an entry in ClinVar:

NC_000015.9:g.(?_28171253)_(28235813_?)del

Gene: OCA2 (OCA2 melanosomal transmembrane protein; minus strand). Cytogenetic location: 15q13.1.
Variant type: Deletion.
Identifiers: ClinVar variation 1454822 (VCV001454822.5).

ClinVar aggregate classification (germline): Pathogenic (1 of 4 stars; one submission).

Submission:

Labcorp Genetics (formerly Invitae), Labcorp
Classification: Pathogenic. Last evaluated: 2023-07-25. Review status: criteria provided, single submitter. Criteria: Invitae Variant Classification Sherloc (09022015). Collection method: clinical testing. Allele origin: germline.
Comment: This variant is a gross deletion of the genomic region encompassing exon(s) 10-19 of the OCA2 gene. This variant would be expected to be in-frame, preserving the integrity of the reading frame. This variant has not been reported in the literature in individuals affected with OCA2-related conditions. This variant disrupts a region of the OCA2 protein in which other variant(s) (Deletion (Exons 15-19)) have been determined to be pathogenic (PMID: 29345414). This suggests that this is a clinically significant region of the protein, and that variants that disrupt it are likely to be disease-causing. For these reasons, this variant has been classified as Pathogenic.

Literature cited by the submitters: PubMed 29345414.